The following is an entry in ClinVar:

ClinVar aggregate classification (germline): Pathogenic (1 of 4 stars; one submission).

Conditions:
Telangiectasia, hereditary hemorrhagic, type 2 (HHT2). Also called: ACVRL1-Related Hereditary Hemorrhagic Telangiectasia; Telangiectasia, hereditary hemorrhagic, type II. Identifiers: Orphanet 774, MedGen C1838163, MONDO:0010880, OMIM 600376. Disease mechanism: loss of function.

Submission:

Labcorp Genetics (formerly Invitae), Labcorp
Classification: Pathogenic for Telangiectasia, hereditary hemorrhagic, type 2. Last evaluated: 2024-08-13. Review status: criteria provided, single submitter. Criteria: Invitae Variant Classification Sherloc (09022015). Collection method: clinical testing. Allele origin: germline.
Comment: This sequence change creates a premature translational stop signal (p.Ser188Glnfs*70) in the ACVRL1 gene. It is expected to result in an absent or disrupted protein product. Loss-of-function variants in ACVRL1 are known to be pathogenic (PMID: 15879500). This variant is not present in population databases (gnomAD no frequency). This variant has not been reported in the literature in individuals affected with ACVRL1-related conditions. Algorithms developed to predict the effect of sequence changes on RNA splicing suggest that this variant may disrupt the consensus splice site. For these reasons, this variant has been classified as Pathogenic.

Literature cited by the submitters: PubMed 15879500.

NM_000020.3(ACVRL1):c.562del (p.Ser188fs)

Gene: ACVRL1 (activin A receptor like type 1; plus strand). Cytogenetic location: 12q13.13.
Variant type: Deletion.
Coding change: c.562del on transcript NM_000020.3 (MANE Select); coding-DNA position 562, one base deleted (T; older notation c.562delT).
Protein change: p.Ser188fs; shifts the reading frame from serine 188.
Molecular consequence: frameshift variant. On other transcripts: intron variant (6).
Genome position (GRCh38, 1-based): chr12:51,914,010, T deleted. VCF-style (leftmost placement, unchanged base first): chr12-51914009-CT-C. GRCh37 (hg19) VCF-style: chr12-52307793-CT-C.
Other names: c.562del, p.Ser188fs (NM_001077401.2, NM_001406487.1, NM_001406488.1 and 1 more transcripts); c.314-429del (NM_001406491.1, NM_001406490.1, NM_001406492.1 and 2 more transcripts); c.62-429del (NM_001406495.1); short protein forms S188fs.
Identifiers: ClinVar variation 3653105 (VCV003653105.2).
Genomic context (GRCh38, chr12:51,914,009, plus strand): 5'-CTCAGTGGCCTCTCCGTACCCCCAGGACCTCCTGGACAGTGACTGCACCACAGGGAGTGG[CT>C]CAGGGCTCCCCTTCCTGGTGCAGAGGACAGTGGCACGGCAGGTTGCCTTGGTGGAGTGTG-3'